The following is an entry in ClinVar:

ClinVar aggregate classification (germline): Uncertain significance. Review status: criteria provided, multiple submitters, no conflicts (2 of 4 stars). 2 submissions from 2 submitters: Uncertain significance (2). Last evaluated 2025-02-13.

Allele frequency attached by ClinVar (database versions not stated): TOPMed 0.00011; gnomAD 0.00013; ExAC 0.00027; gnomAD exomes 0.00029; ESP Exome Variant Server 0.00046.
gnomAD v4.1: 447 of 1,611,778 alleles (0.028%); highest among the groups gnomAD compares: Non-Finnish European, 0.034%; 1 homozygote.

Submissions (2):

Ambry Genetics
Classification: Uncertain significance. Last evaluated: 2025-02-13. Review status: criteria provided, single submitter. Criteria: Ambry Variant Classification Scheme 2023. Collection method: clinical testing. Allele origin: germline.

Labcorp Genetics (formerly Invitae), Labcorp
Classification: Uncertain significance. Last evaluated: 2024-06-19. Review status: criteria provided, single submitter. Criteria: Invitae Variant Classification Sherloc (09022015). Collection method: clinical testing. Allele origin: germline.
Comment: This sequence change replaces alanine, which is neutral and non-polar, with threonine, which is neutral and polar, at codon 260 of the NFATC1 protein (p.Ala260Thr). This variant is present in population databases (rs139169385, gnomAD 0.03%). This variant has not been reported in the literature in individuals affected with NFATC1-related conditions. ClinVar contains an entry for this variant (Variation ID: 2401165). Algorithms developed to predict the effect of missense changes on protein structure and function output the following: SIFT: "Not Available"; PolyPhen-2: "Benign"; Align-GVGD: "Not Available". The threonine amino acid residue is found in multiple mammalian species, which suggests that this missense change does not adversely affect protein function. In summary, the available evidence is currently insufficient to determine the role of this variant in disease. Therefore, it has been classified as a Variant of Uncertain Significance.

NM_001278669.2(NFATC1):c.778G>A (p.Ala260Thr)

Gene: NFATC1 (nuclear factor of activated T cells 1; plus strand). Cytogenetic location: 18q23.
Variant type: single nucleotide variant.
Coding change: c.778G>A on transcript NM_001278669.2 (MANE Select); coding-DNA position 778, G replaced by A.
Protein change: p.Ala260Thr; replaces alanine 260 with threonine.
Molecular consequence: missense variant. On other transcripts: intron variant (2).
Genome position (GRCh38, 1-based): chr18:79,411,053, G>A. VCF-style: chr18-79411053-G-A. GRCh37 (hg19) VCF-style: chr18-77171053-G-A.
Other names: c.778G>A, p.Ala260Thr (NM_001278670.2, NM_006162.5, NM_172390.3); c.739G>A, p.Ala247Thr (NM_001278672.2, NM_001278675.2, NM_172387.3 and 1 more transcripts); c.-191+14702G>A (NM_172388.3); c.-191+10574G>A (NM_001278673.2); short protein forms A260T, A247T.
Identifiers: ClinVar variation 2401165 (VCV002401165.6), dbSNP rs139169385, ClinGen allele CA9008921.
Genomic context (GRCh38, chr18:79,411,053, plus strand): 5'-ACCTCGCCCCGCGCCAGCGTCACTGAGGAGAGCTGGCTGGGTGCCCGCTCCTCCAGACCC[G>A]CGTCCCCTTGCAACAAGAGGAAGTACAGCCTCAACGGCCGGCAGCCGCCCTACTCACCCC-3'
Protein context (NP_001265598.1, residues 250-270): SWLGARSSRP[Ala260Thr]SPCNKRKYSL